The following is an entry in ClinVar:

NM_001323289.2(CDKL5):c.1166_1169del (p.Gln389fs)

Gene: CDKL5 (cyclin dependent kinase like 5; plus strand). Cytogenetic location: Xp22.13.
Variant type: Microsatellite.
Coding change: c.1166_1169del on transcript NM_001323289.2 (MANE Select); coding-DNA positions 1166 to 1169, 4 bases deleted (AGCC; older notation c.1166_1169delAGCC).
Protein change: p.Gln389fs; shifts the reading frame from glutamine 389.
Molecular consequence: frameshift variant.
Genome position (GRCh38, 1-based): chrX:18,604,090-18,604,093, AGCC deleted; deleting any 4 consecutive bases within chrX:18,604,085-18,604,093 gives the same sequence; the c. name uses the placement nearest the transcript's 3' end. VCF-style (leftmost placement, unchanged base first): chrX-18604084-GCAGC-G. GRCh37 (hg19) VCF-style: chrX-18622204-GCAGC-G.
Other names: c.1166_1169del, p.Gln389fs (NM_001037343.2, NM_003159.3); short protein forms Q389fs.
Identifiers: ClinVar variation 2099555 (VCV002099555.4), dbSNP rs2518873766, ClinGen allele CA2580615394.

ClinVar aggregate classification (germline): Pathogenic (1 of 4 stars; one submission).

Conditions:
Developmental and epileptic encephalopathy, 2 (DEE2). Also called: INFANTILE SPASM SYNDROME, X-LINKED 2; CDKL5 deficiency disorder. Identifiers: Orphanet 1934, Orphanet 3451, Orphanet 505652, MedGen C4750718, MONDO:0010396, OMIM 300672.
Angelman syndrome-like. Identifiers: MedGen CN128785.

Submission:

Labcorp Genetics (formerly Invitae), Labcorp
Classification: Pathogenic for Developmental and epileptic encephalopathy, 2; Angelman syndrome-like. Last evaluated: 2024-04-29. Review status: criteria provided, single submitter. Criteria: Invitae Variant Classification Sherloc (09022015). Collection method: clinical testing. Allele origin: germline.
Comment: This sequence change creates a premature translational stop signal (p.Gln389Leufs*103) in the CDKL5 gene. It is expected to result in an absent or disrupted protein product. Loss-of-function variants in CDKL5 are known to be pathogenic (PMID: 22872100). This variant is not present in population databases (gnomAD no frequency). This variant has not been reported in the literature in individuals affected with CDKL5-related conditions. For these reasons, this variant has been classified as Pathogenic.

Literature cited by the submitters: PubMed 22872100.